The following is an entry in ClinVar:

NM_001267550.2(TTN):c.87287C>A (p.Thr29096Asn)

Genes: TTN (titin; minus strand), TTN-AS1 (TTN antisense RNA 1; plus strand). Cytogenetic location: 2q31.2.
Variant type: single nucleotide variant.
Coding change: c.87287C>A on transcript NM_001267550.2 (MANE Select); coding-DNA position 87287, C replaced by A.
Protein change: p.Thr29096Asn; replaces threonine 29096 with asparagine.
Molecular consequence: missense variant.
Genome position (GRCh38, 1-based): chr2:178,558,067, G>T on the plus strand (C>A on the coding strand, the complement: TTN is on the minus strand). VCF-style: chr2-178558067-G-T. GRCh37 (hg19) VCF-style: chr2-179422794-G-T.
Other names: c.82364C>A, p.Thr27455Asn (NM_001256850.1); c.60092C>A, p.Thr20031Asn (NM_003319.4); c.79583C>A, p.Thr26528Asn (NM_133378.4); c.60467C>A, p.Thr20156Asn (NM_133432.3); c.60668C>A, p.Thr20223Asn (NM_133437.4); short protein forms T20031N, T20156N, T20223N, T26528N, T27455N, T29096N.
Identifiers: ClinVar variation 3345358 (VCV003345358.1).

ClinVar aggregate classification (germline): Uncertain significance (0 of 4 stars; one submission).

Conditions:
TTN-related disorder. Also called: TTN-related disorders; TTN-related condition; TTN-related disease.

Submission:

PreventionGenetics, part of Exact Sciences
Classification: Uncertain significance for TTN-related condition. Last evaluated: 2024-07-29. Review status: no assertion criteria provided. Collection method: clinical testing. Allele origin: germline.
Comment: The TTN c.87287C>A variant is predicted to result in the amino acid substitution p.Thr29096Asn. To our knowledge, this variant has not been reported in the literature or in a large population database, indicating this variant is rare. At this time, the clinical significance of this variant is uncertain due to the absence of conclusive functional and genetic evidence.